The following is an entry in ClinVar:

NM_000093.5(COL5A1):c.1164+134A>C

Gene: COL5A1 (collagen type V alpha 1 chain; plus strand). Cytogenetic location: 9q34.3.
Variant type: single nucleotide variant.
Coding change: c.1164+134A>C on transcript NM_000093.5 (MANE Select); 134 bases into the intron after coding-DNA position 1164, A replaced by C.
Molecular consequence: intron variant.
Genome position (GRCh38, 1-based): chr9:134,730,609, A>C. VCF-style: chr9-134730609-A-C. GRCh37 (hg19) VCF-style: chr9-137622455-A-C.
Other names: c.1164+134A>C (NM_001278074.1).
Identifiers: ClinVar variation 672244 (VCV000672244.2), dbSNP rs3128600, ClinGen allele CA12975120.

ClinVar aggregate classification (germline): Benign. Review status: criteria provided, multiple submitters, no conflicts (2 of 4 stars). 2 submissions from 2 submitters: Benign (2). Last evaluated 2018-06-14.

Allele frequency attached by ClinVar (database versions not stated): gnomAD 0.40954; TOPMed 0.42048; 1000 Genomes Project 30x 0.42630; 1000 Genomes Project 0.43271; gnomAD exomes 0.45090.
gnomAD v4.1: 550,519 of 1,231,446 alleles (45%); highest among the groups gnomAD compares: Admixed American, 66%; 128,756 homozygotes.

Submissions (2):

GeneDx
Classification: Benign. Last evaluated: 2018-06-14. Review status: criteria provided, single submitter. Criteria: GeneDx Variant Classification (06012015). Collection method: clinical testing. Allele origin: germline. Affected: yes.
Comment: This variant is considered likely benign or benign based on one or more of the following criteria: it is a conservative change, it occurs at a poorly conserved position in the protein, it is predicted to be benign by multiple in silico algorithms, and/or has population frequency not consistent with disease.

Breakthrough Genomics
Classification: Benign. Review status: criteria provided, single submitter. Criteria: ACMG Guidelines, 2015. Collection method: not provided. Allele origin: germline. Inheritance: Autosomal dominant inheritance. Affected: yes.